The following is an entry in ClinVar:

NM_133510.4(RAD51B):c.320C>G (p.Thr107Arg)

Gene: RAD51B (RAD51 paralog B; plus strand). Cytogenetic location: 14q24.1.
Variant type: single nucleotide variant.
Coding change: c.320C>G on transcript NM_133510.4 (MANE Select); coding-DNA position 320, C replaced by G.
Protein change: p.Thr107Arg; replaces threonine 107 with arginine.
Molecular consequence: missense variant. On other transcripts: 5 prime UTR variant (1).
Genome position (GRCh38, 1-based): chr14:67,865,007, C>G. VCF-style: chr14-67865007-C-G. GRCh37 (hg19) VCF-style: chr14-68331724-C-G.
Other names: c.320C>G, p.Thr107Arg (NM_001321809.2, NM_001321810.2, NM_001321812.1 and 6 more transcripts); c.206C>G, p.Thr69Arg (NM_001321815.1); c.-38C>G (NM_001321817.2); short protein forms T69R, T107R.
Identifiers: ClinVar variation 3429652 (VCV003429652.1).

ClinVar aggregate classification (germline): Uncertain significance (1 of 4 stars; one submission).

Submission:

Ambry Genetics
Classification: Uncertain significance. Last evaluated: 2024-11-26. Review status: criteria provided, single submitter. Criteria: Ambry Variant Classification Scheme 2023. Collection method: clinical testing. Allele origin: germline.
Comment: The p.T107R variant (also known as c.320C>G), located in coding exon 4 of the RAD51B gene, results from a C to G substitution at nucleotide position 320. The threonine at codon 107 is replaced by arginine, an amino acid with similar properties. This amino acid position is conserved. In addition, the in silico prediction for this alteration is inconclusive. Based on the available evidence, the clinical significance of this variant remains unclear.